The following is an entry in ClinVar:

NM_015378.4(VPS13D):c.10545T>A (p.Pro3515=)

Gene: VPS13D (vacuolar protein sorting 13 homolog D; plus strand). Cytogenetic location: 1p36.22.
Variant type: single nucleotide variant.
Coding change: c.10545T>A on transcript NM_015378.4 (MANE Select); coding-DNA position 10545, T replaced by A.
Protein change: p.Pro3515=; no amino-acid change (proline 3515 retained).
Molecular consequence: synonymous variant.
Genome position (GRCh38, 1-based): chr1:12,368,564, T>A. VCF-style: chr1-12368564-T-A. GRCh37 (hg19) VCF-style: chr1-12428619-T-A.
Other names: p.Pro3515=; c.10470T>A, p.Pro3490= (NM_018156.4).
Identifiers: ClinVar variation 2638253 (VCV002638253.28), dbSNP rs138589707, ClinGen allele CA603717.

ClinVar aggregate classification (germline): Likely benign. Review status: criteria provided, multiple submitters, no conflicts (2 of 4 stars). 3 submissions from 3 submitters: Likely benign (3). Last evaluated 2025-09-09.

Allele frequency attached by ClinVar (database versions not stated): ExAC 0.00003; gnomAD 0.00007; gnomAD exomes 0.00013; ESP Exome Variant Server 0.00023.
gnomAD v4.1: 206 of 1,613,264 alleles (0.013%); highest among the groups gnomAD compares: Non-Finnish European, 0.016%; 1 homozygote.

Submissions (3):

Mayo Clinic Laboratories, Mayo Clinic
Classification: Likely benign. Last evaluated: 2025-09-09. Review status: criteria provided, single submitter. Criteria: ACMG Guidelines, 2015. Collection method: clinical testing. Allele origin: germline. Observed: 2 variant alleles.
Comment: BP4, BP7

Labcorp Genetics (formerly Invitae), Labcorp
Classification: Likely benign. Last evaluated: 2025-05-07. Review status: criteria provided, single submitter. Criteria: Invitae Variant Classification Sherloc (09022015). Collection method: clinical testing. Allele origin: germline.

CeGaT Center for Human Genetics Tuebingen
Classification: Likely benign. Last evaluated: 2023-02-01. Review status: criteria provided, single submitter. Criteria: CeGaT Center For Human Genetics Tuebingen Variant Classification Criteria Version 2. Collection method: clinical testing. Allele origin: germline. Affected: yes. Observed: 2 variant alleles.
Comment: VPS13D: BP4, BP7